The following is an entry in ClinVar:

ClinVar aggregate classification (germline): Uncertain significance (1 of 4 stars; one submission).

Submission:

Dasa
Classification: Uncertain significance. Last evaluated: 2026-01-12. Review status: criteria provided, single submitter. Criteria: DASA Assertion Criteria. Collection method: clinical testing. Allele origin: germline.
Comment: NM_018896.5(CACNA1G):c.878G>T (p.Gly293Val) is a missense variant that results in the substitution of glycine with valine. This variant is rare in population databases. The currently available literature and clinical evidence are not sufficient to establish a definitive association between this variant and the reported condition. Therefore, this variant is classified as a variant of uncertain significance.

NM_018896.5(CACNA1G):c.878G>T (p.Gly293Val)

Gene: CACNA1G (calcium voltage-gated channel subunit alpha1 G; plus strand). Cytogenetic location: 17q21.33.
Variant type: single nucleotide variant.
Coding change: c.878G>T on transcript NM_018896.5 (MANE Select); coding-DNA position 878, G replaced by T.
Protein change: p.Gly293Val; replaces glycine 293 with valine.
Molecular consequence: missense variant. On other transcripts: non-coding transcript variant (5).
Genome position (GRCh38, 1-based): chr17:50,572,685, G>T. VCF-style: chr17-50572685-G-T. GRCh37 (hg19) VCF-style: chr17-48650046-G-T.
Other names: c.878G>T, p.Gly293Val (NM_001256324.2, NM_001256325.2, NM_001256326.2 and 24 more transcripts); short protein forms G293V.
Identifiers: ClinVar variation 4883342 (VCV004883342.2).